The following is an entry in ClinVar:

NM_000202.8(IDS):c.911del (p.Val304fs)

Genes: IDS (iduronate 2-sulfatase; minus strand), LOC106050102 (IDS recombination region; plus strand). Cytogenetic location: Xq28.
Variant type: Deletion.
Coding change: c.911del on transcript NM_000202.8 (MANE Select); coding-DNA position 911, one base deleted (T; older notation c.911delT).
Protein change: p.Val304fs; shifts the reading frame from valine 304.
Molecular consequence: frameshift variant. On other transcripts: non-coding transcript variant (1).
Genome position (GRCh38, 1-based): chrX:149,490,409, A deleted on the plus strand (T on the coding strand, the reverse complement: IDS is on the minus strand). VCF-style (leftmost placement, unchanged base first): chrX-149490408-CA-C. GRCh37 (hg19) VCF-style: chrX-148571939-CA-C.
Other names: c.641del, p.Val214fs (NM_001166550.4); c.911del, p.Val304fs (NM_006123.5); short protein forms V214fs, V304fs.
Identifiers: ClinVar variation 3255879 (VCV003255879.2).

ClinVar aggregate classification (germline): Pathogenic (1 of 4 stars; one submission).

Conditions:
Mucopolysaccharidosis, MPS-II (MPS2). Also called: Hunter Syndrome; IDURONATE 2-SULFATASE DEFICIENCY; Mucopolysaccharidosis Type II; Mucopolysaccharidosis type 2; Attenuated MPS (subtype; formerly known as mild MPS II); Severe MPS II. Identifiers: Orphanet 580, Orphanet 79388, MedGen C0026705, MONDO:0010674, OMIM 309900.

Submission:

Laboratory of Diagnosis and Therapy of Lysosomal Disorders, University of Padova
Classification: Pathogenic for Mucopolysaccharidosis, MPS-II. Last evaluated: 2024-06-07. Review status: criteria provided, single submitter. Criteria: ACMG Guidelines, 2015. Collection method: literature only. Allele origin: germline. Affected: yes. Observed: 1 variant allele.
Comment: Null variant (PVS1_VeryStrong), Absent from controls (or at low frequency) in gnomAD database (PM2_Moderate), Patient’s phenotype or family history highly specific for the disease (PP4_Strong)

Classification method: ACMG Guidelines [PMID:25741868] with modifications

Literature cited by the submitters: PubMed 30639582.